The following is an entry in ClinVar:

NM_000292.3(PHKA2):c.2783_2793del (p.Leu928fs)

Gene: PHKA2 (phosphorylase kinase regulatory subunit alpha 2; minus strand). Cytogenetic location: Xp22.13.
Variant type: Deletion.
Coding change: c.2783_2793del on transcript NM_000292.3 (MANE Select); coding-DNA positions 2783 to 2793, 11 bases deleted (TGGCACGGAGC).
Protein change: p.Leu928fs; shifts the reading frame from leucine 928.
Molecular consequence: frameshift variant.
Genome position (GRCh38, 1-based): chrX:18,906,508-18,906,518, GCTCCGTGCCA deleted on the plus strand (TGGCACGGAGC on the coding strand, the reverse complement: PHKA2 is on the minus strand); deleting any 11 consecutive bases within chrX:18,906,508-18,906,526 gives the same sequence; the c. name uses the placement nearest the transcript's 3' end. VCF-style (leftmost placement, unchanged base first): chrX-18906507-GGCTCCGTGCCA-G. GRCh37 (hg19) VCF-style: chrX-18924625-GGCTCCGTGCCA-G.
Other names: short protein forms L928fs.
Identifiers: ClinVar variation 2700165 (VCV002700165.3), dbSNP rs2518600953, ClinGen allele CA2697552890.
Genomic context (GRCh38, chrX:18,906,507, plus strand): 5'-GGTTGGGGTGGGGTGCGGCGGGAGCTGCAGGAGCTGCGGGCATCTCACCTGAGCAGTTCA[GGCTCCGTGCCA>G]GCTCCGTGGCCATCACCTGAATGATCAGTCCAATCCGGAGTCTCAGCATCTCCACAAAGA-3'

ClinVar aggregate classification (germline): Pathogenic (1 of 4 stars; one submission).

Conditions:
Glycogen storage disease IXa1. Also called: Glycogen storage disease 8; LIVER GLYCOGENOSIS, X-LINKED, TYPE I; GLYCOGEN STORAGE DISEASE VIII; GSD VIII. Identifiers: Orphanet 264580, MedGen C3694531, MONDO:0010598, OMIM 306000.

Submission:

Labcorp Genetics (formerly Invitae), Labcorp
Classification: Pathogenic for Glycogen storage disease IXa1. Last evaluated: 2023-12-01. Review status: criteria provided, single submitter. Criteria: Invitae Variant Classification Sherloc (09022015). Collection method: clinical testing. Allele origin: germline.
Comment: This sequence change creates a premature translational stop signal (p.Leu928Profs*10) in the PHKA2 gene. It is expected to result in an absent or disrupted protein product. Loss-of-function variants in PHKA2 are known to be pathogenic (PMID: 7711737, 10330341). This variant is not present in population databases (gnomAD no frequency). This variant has not been reported in the literature in individuals affected with PHKA2-related conditions. For these reasons, this variant has been classified as Pathogenic.

Literature cited by the submitters: PubMed 7711737; PubMed 10330341.